The following is an entry in ClinVar:

NM_001723.7(DST):c.7546C>G (p.Gln2516Glu)

Gene: DST (dystonin; minus strand). Cytogenetic location: 6p12.1.
Variant type: single nucleotide variant.
Coding change: c.7546C>G on transcript NM_001723.7 (MANE Plus Clinical); coding-DNA position 7546, C replaced by G.
Protein change: p.Gln2516Glu; replaces glutamine 2516 with glutamic acid.
Molecular consequence: missense variant. On other transcripts: intron variant (10).
Genome position (GRCh38, 1-based): chr6:56,615,921, G>C on the plus strand (C>G on the coding strand, the complement: DST is on the minus strand). VCF-style: chr6-56615921-G-C. GRCh37 (hg19) VCF-style: chr6-56480719-G-C.
Other names: c.4831-1437C>G (NM_001144769.5); c.4930-1437C>G (NM_001374722.1, NM_001374736.1); c.4957-1437C>G (NM_001374734.1); c.4417-1437C>G (NM_001144770.2); c.4297-1437C>G (NM_001374730.1, NM_001386100.1, NM_183380.4 and 1 more transcripts); c.3319-1437C>G (NM_015548.5); short protein forms Q2516E.
Identifiers: ClinVar variation 2925642 (VCV002925642.3), dbSNP rs1320705391, ClinGen allele CA364562772.

ClinVar aggregate classification (germline): Uncertain significance (1 of 4 stars; one submission).

Conditions:
Hereditary sensory and autonomic neuropathy type 6. Also called: HSAN VI; Neuropathy, hereditary sensory and autonomic, type VI. Identifiers: Orphanet 314381, MedGen C3539003, MONDO:0013839, OMIM 614653.
Epidermolysis bullosa simplex 3, localized or generalized intermediate, with BP230 deficiency (EBS3). Also called: Epidermolysis bullosa simplex, autosomal recessive 2; Epidermolysis bullosa simplex due to BP230 deficiency. Identifiers: Orphanet 412181, MedGen C3809470, MONDO:0014180, OMIM 615425.

Allele frequency attached by ClinVar (database versions not stated): gnomAD exomes below 0.00001; gnomAD 0.00001; TOPMed 0.00001.
gnomAD v4.1: 4 of 1,614,100 alleles (0.00025%); highest among the groups gnomAD compares: African/African-American, 0.004%; no homozygotes.

Submission:

Labcorp Genetics (formerly Invitae), Labcorp
Classification: Uncertain significance for Epidermolysis bullosa simplex 3, localized or generalized intermediate, with BP230 deficiency; Hereditary sensory and autonomic neuropathy type 6. Last evaluated: 2023-10-16. Review status: criteria provided, single submitter. Criteria: Invitae Variant Classification Sherloc (09022015). Collection method: clinical testing. Allele origin: germline.
Comment: This sequence change replaces glutamine, which is neutral and polar, with glutamic acid, which is acidic and polar, at codon 2516 of the DST protein (p.Gln2516Glu). This variant is present in population databases (no rsID available, gnomAD 0.007%). This variant has not been reported in the literature in individuals affected with DST-related conditions. An algorithm developed to predict the effect of missense changes on protein structure and function (PolyPhen-2) suggests that this variant is likely to be tolerated. In summary, the available evidence is currently insufficient to determine the role of this variant in disease. Therefore, it has been classified as a Variant of Uncertain Significance.